The following is an entry in ClinVar:

ClinVar aggregate classification (germline): Pathogenic (1 of 4 stars; one submission).

Conditions:
Hereditary hemorrhagic telangiectasia (HHT). Also called: Osler hemorrhagic telangiectasia syndrome; ORW DISEASE; Osler Weber Rendu syndrome; OSLER-RENDU-WEBER DISEASE. Identifiers: Orphanet 774, MedGen C0039445, MONDO:0019180. Disease mechanism: loss of function.

Submission:

Labcorp Genetics (formerly Invitae), Labcorp
Classification: Pathogenic for Hereditary hemorrhagic telangiectasia. Last evaluated: 2022-04-07. Review status: criteria provided, single submitter. Criteria: Invitae Variant Classification Sherloc (09022015). Collection method: clinical testing. Allele origin: germline.
Comment: This variant is a gross deletion of the genomic region encompassing exon(s) 3-14 of the ENG gene, which includes the termination codon. This deletion extends beyond the assayed region for this gene and therefore may encompass additional genes. While this deletion is not anticipated to lead to nonsense mediated decay, it is expected to alter mRNA translation or result in a truncated protein product. A similar copy number variant has been observed in individuals with hereditary hemorrhagic telangiectasia (PMID: 20414677). For these reasons, this variant has been classified as Pathogenic.

Literature cited by the submitters: PubMed 20414677.

NC_000009.11:g.(?_130578196)_(130592116_?)del

Gene: ENG (endoglin; minus strand). Cytogenetic location: 9q34.11.
Variant type: Deletion.
Identifiers: ClinVar variation 1076881 (VCV001076881.10).